The following is an entry in ClinVar:

NM_000548.5(TSC2):c.2780C>T (p.Thr927Ile)

Gene: TSC2 (TSC complex subunit 2; plus strand). Cytogenetic location: 16p13.3.
Variant type: single nucleotide variant.
Coding change: c.2780C>T on transcript NM_000548.5 (MANE Select); coding-DNA position 2780, C replaced by T.
Protein change: p.Thr927Ile; replaces threonine 927 with isoleucine.
Molecular consequence: missense variant.
Genome position (GRCh38, 1-based): chr16:2,076,528, C>T. VCF-style: chr16-2076528-C-T. GRCh37 (hg19) VCF-style: chr16-2126529-C-T.
Other names: c.2780C>T, p.Thr927Ile (NM_001077183.3, NM_001114382.3, NM_001363528.2 and 3 more transcripts); c.2669C>T, p.Thr890Ile (NM_001318827.2); c.2633C>T, p.Thr878Ile (NM_001318829.2); c.2180C>T, p.Thr727Ile (NM_001318831.2); c.2813C>T, p.Thr938Ile (NM_001318832.2); short protein forms T927I, T727I, T878I, T938I, T890I.
Identifiers: ClinVar variation 486602 (VCV000486602.17), dbSNP rs144329595, ClinGen allele CA394279934.
Genomic context (GRCh38, chr16:2,076,528, plus strand): 5'-TCTGGGTGTGCTCACTCTGCCAGGGCCTGCGGTCCAATGTCCTCTTGTCTTTTGATGACA[C>T]CCCCGAGAAGGACAGCTTCAGGGCCCGGAGTACTAGTCTCAACGAGAGACCCAAGAGGTA-3'
Protein context (NP_000539.2, residues 917-937): RSNVLLSFDD[Thr927Ile]PEKDSFRARS

ClinVar aggregate classification (germline): Conflicting classifications of pathogenicity. Review status: criteria provided, conflicting classifications (1 of 4 stars). 4 submissions from 4 submitters: Uncertain significance (3); Benign (1). Last evaluated 2025-11-19.

Conditions:
Hereditary cancer-predisposing syndrome. Also called: Tumor predisposition; Neoplastic Syndromes, Hereditary; Hereditary Cancer Syndrome; Hereditary neoplastic syndrome. Identifiers: Orphanet 140162, MedGen C0027672, MeSH D009386, MONDO:0015356.
Tuberous sclerosis syndrome (TSC). Also called: Tuberous Sclerosis Complex; Tuberous sclerosis. Identifiers: Orphanet 805, MedGen C0041341, MONDO:0001734.
Tuberous sclerosis 2 (TSC2). Identifiers: Orphanet 805, MedGen C1860707, MONDO:0013199, OMIM 613254.

Allele frequency attached by ClinVar (database versions not stated): gnomAD exomes below 0.00001.
gnomAD v4.1: 1 of 1,613,528 alleles (0.000062%); no homozygotes.

Submissions (4):

Labcorp Genetics (formerly Invitae), Labcorp
Classification: Benign for Tuberous sclerosis 2. Last evaluated: 2025-11-19. Review status: criteria provided, single submitter. Criteria: Invitae Variant Classification Sherloc (09022015). Collection method: clinical testing. Allele origin: germline.

Ambry Genetics
Classification: Uncertain significance for Hereditary cancer-predisposing syndrome. Last evaluated: 2025-03-07. Review status: criteria provided, single submitter. Criteria: Ambry Variant Classification Scheme 2023. Collection method: clinical testing. Allele origin: germline.
Comment: The p.T927I variant (also known as c.2780C>T), located in coding exon 24 of the TSC2 gene, results from a C to T substitution at nucleotide position 2780. The threonine at codon 927 is replaced by isoleucine, an amino acid with similar properties. This amino acid position is well conserved in available vertebrate species. In addition, the in silico prediction for this alteration is inconclusive. Since supporting evidence is limited at this time, the clinical significance of this alteration remains unclear.

All of Us Research Program, National Institutes of Health
Classification: Uncertain significance for Tuberous sclerosis syndrome. Last evaluated: 2023-05-04. Review status: criteria provided, single submitter. Criteria: ACMG Guidelines, 2015. Collection method: clinical testing. Allele origin: germline. Inheritance: Autosomal dominant inheritance. Observed: 1 variant allele, 1 heterozygote.
Comment: This missense variant replaces threonine with isoleucine at codon 927 of the TSC2 protein. Computational prediction suggests that this variant may not impact protein structure and function (internally defined REVEL score threshold <= 0.5, PMID: 27666373). To our knowledge, functional studies have not been reported for this variant. This variant has not been reported in individuals affected with TSC2-related disorders in the literature. This variant has been identified in 1/250966 chromosomes in the general population by the Genome Aggregation Database (gnomAD). The available evidence is insufficient to determine the role of this variant in disease conclusively. Therefore, this variant is classified as a Variant of Uncertain Significance.

This study involves interpretation of variants in research participants for the purpose of population health screening. Participant phenotype was not available at the time of variant classification. Additional details can be found in publication PMID: 35346344, PMCID: PMC8962531

Genome-Nilou Lab
Classification: Uncertain significance for Tuberous sclerosis 2. Last evaluated: 2021-11-07. Review status: criteria provided, single submitter. Criteria: ACMG Guidelines, 2015. Collection method: clinical testing. Allele origin: germline. Affected: no.